The following is an entry in ClinVar:

ClinVar aggregate classification (germline): Pathogenic. Review status: criteria provided, multiple submitters, no conflicts (2 of 4 stars). 2 submissions from 2 submitters: Pathogenic (2). Last evaluated 2024-11-03.

Conditions:
Meckel-Gruber syndrome. Also called: DYSENCEPHALIA SPLANCHNOCYSTICA; Dysencephalia splachnocystica; GRUBER SYNDROME. Identifiers: Orphanet 564, MedGen C0265215, MONDO:0018921.
Joubert syndrome. Also called: JOUBERT-BOLTSHAUSER SYNDROME; Familial aplasia of the vermis. Identifiers: Orphanet 475, MedGen C5979921, MONDO:0018772.
Nephronophthisis. Also called: Juvenile Nephronophthisis. Identifiers: Orphanet 655, MedGen C0687120, MONDO:0019005, HP:0000090.
CEP290-related ciliopathy. Also called: CEP290 ciliopathy. Identifiers: MedGen CN305601, MONDO:0100451.

Submissions (2):

Myriad Genetics, Inc.
Classification: Pathogenic for CEP290-related ciliopathy. Last evaluated: 2024-11-03. Review status: criteria provided, single submitter. Criteria: Myriad Autosomal Dominant, Autosomal Recessive and X-Linked Classification Criteria (2023). Collection method: clinical testing. Allele origin: unknown.
Comment: NM_025114.3(CEP290):c.6994G>T(E2332*) is expected to be pathogenic in the context of CEP290-related disorders. This variant is predicted to lead to an abnormal or absent protein product due to the creation of a premature termination codon in CEP290, a gene where loss-of-function variants are known to be pathogenic. Please note: this variant was assessed in the context of healthy population screening.

Labcorp Genetics (formerly Invitae), Labcorp
Classification: Pathogenic for Joubert syndrome; Meckel-Gruber syndrome; Nephronophthisis. Last evaluated: 2020-08-02. Review status: criteria provided, single submitter. Criteria: Invitae Variant Classification Sherloc (09022015). Collection method: clinical testing. Allele origin: germline.
Comment: This sequence change creates a premature translational stop signal (p.Glu2332*) in the CEP290 gene. It is expected to result in an absent or disrupted protein product. This variant is not present in population databases (ExAC no frequency). This variant has not been reported in the literature in individuals with CEP290-related conditions. Loss-of-function variants in CEP290 are known to be pathogenic (PMID: 16909394, 17345604, 20690115, 25377065, 28559085). For these reasons, this variant has been classified as Pathogenic.

Literature cited by the submitters: PubMed 16909394 (cited by Labcorp Genetics (formerly Invitae), Labcorp); PubMed 17345604 (cited by Labcorp Genetics (formerly Invitae), Labcorp); PubMed 20690115 (cited by Labcorp Genetics (formerly Invitae), Labcorp); PubMed 25377065 (cited by Labcorp Genetics (formerly Invitae), Labcorp); PubMed 28559085 (cited by Labcorp Genetics (formerly Invitae), Labcorp).

NM_025114.4(CEP290):c.6994G>T (p.Glu2332Ter)

Gene: CEP290 (centrosomal protein 290; minus strand). Cytogenetic location: 12q21.32.
Variant type: single nucleotide variant.
Coding change: c.6994G>T on transcript NM_025114.4 (MANE Select); coding-DNA position 6994, G replaced by T.
Protein change: p.Glu2332Ter; replaces glutamic acid 2332 with a stop codon.
Molecular consequence: nonsense.
Genome position (GRCh38, 1-based): chr12:88,054,380, C>A on the plus strand (G>T on the coding strand, the complement: CEP290 is on the minus strand). VCF-style: chr12-88054380-C-A. GRCh37 (hg19) VCF-style: chr12-88448157-C-A.
Other names: short protein forms E2332*.
Identifiers: ClinVar variation 1076926 (VCV001076926.8), dbSNP rs1414041522, ClinGen allele CA385975607.